The following is an entry in ClinVar:

ClinVar aggregate classification (germline): Pathogenic. Review status: criteria provided, multiple submitters, no conflicts (2 of 4 stars). 4 submissions from 4 submitters: Pathogenic (4). Last evaluated 2023-01-03.

Conditions:
CHD7-related disorder. Also called: CHD7-related condition.
CHARGE syndrome (CHARGE). Also called: Hittner Hirsch Kreh syndrome; Coloboma, heart anomaly, choanal atresia, retardation, genital and ear anomalies; CHARGE association; Hall-Hittner syndrome; CHARGE ASSOCIATION--COLOBOMA, HEART ANOMALY, CHOANAL ATRESIA, RETARDATION, GENITAL AND EAR ANOMALIES. Identifiers: Orphanet 138, MedGen C0265354, MONDO:0008965.

Submissions (4):

Johns Hopkins Genomics, Johns Hopkins University
Classification: Pathogenic for CHD7-related CHARGE syndrome. Last evaluated: 2023-01-03. Review status: criteria provided, single submitter. Criteria: ACMG Guidelines, 2015. Collection method: clinical testing. Allele origin: germline.

PreventionGenetics, part of Exact Sciences
Classification: Pathogenic for CHD7-related condition. Last evaluated: 2022-12-30. Review status: criteria provided, single submitter. Criteria: ACMG Guidelines, 2015. Collection method: clinical testing. Allele origin: germline.
Comment: The CHD7 c.496C>T variant is predicted to result in premature protein termination (p.Gln166*). This variant has been reported as de novo in an individual with CHARGE syndrome (Kingsmore et al. 2019. PubMed ID: 31564432; Table S15 - Clark et al. 2019. PubMed ID: 31019026). This variant has not been reported in a large population database, indicating this variant is rare. Nonsense variants in CHD7 are expected to be pathogenic. This variant is interpreted as pathogenic.

Rady Children's Institute for Genomic Medicine, Rady Children's Hospital San Diego
Classification: Pathogenic for CHARGE SYNDROME. Last evaluated: 2017-11-16. Review status: criteria provided, single submitter. Criteria: ACMG Guidelines, 2015. Collection method: clinical testing. Allele origin: germline. Affected: yes. Observed: 1 variant allele.
Comment: This stop-gain variant has not been previously reported in the literature to our knowledge, but stop-gain changes in the neighboring amino acids have been reported in the literature in association with CHARGE syndrome (PMID: 21158681, 24790386). This variant was recently classified as pathogenic in the ClinVar database by another clinical laboratory in one individual with a clinical diagnosis of CHARGE syndrome. In addition, this variant is not present in the public SNP databases. Analysis of the parental samples was negative for the variant, indicating this variant likely occurred as a de novo event. Based on the available evidence, the p.Gln166Ter variant is classified as pathogenic.

Genomic Diagnostic Laboratory, Division of Genomic Diagnostics, Children's Hospital of Philadelphia
Classification: Pathogenic for CHARGE syndrome. Last evaluated: 2016-09-05. Review status: criteria provided, single submitter. Criteria: DGD Variant Analysis Guidelines. Collection method: clinical testing. Allele origin: germline. Affected: yes. Observed: 1 variant allele.
Comment: Clinical Testing

Literature cited by the submitters: PubMed 15300250 (cited by Johns Hopkins Genomics, Johns Hopkins University); PubMed 16155193 (cited by Johns Hopkins Genomics, Johns Hopkins University); PubMed 16400610 (cited by Johns Hopkins Genomics, Johns Hopkins University); PubMed 21378379 (cited by Johns Hopkins Genomics, Johns Hopkins University); PubMed 31564432 (cited by Johns Hopkins Genomics, Johns Hopkins University).

NM_017780.4(CHD7):c.496C>T (p.Gln166Ter)

Gene: CHD7 (chromodomain helicase DNA binding protein 7; plus strand). Cytogenetic location: 8q12.2.
Variant type: single nucleotide variant.
Coding change: c.496C>T on transcript NM_017780.4 (MANE Select); coding-DNA position 496, C replaced by T.
Protein change: p.Gln166Ter; replaces glutamine 166 with a stop codon.
Molecular consequence: nonsense.
Genome position (GRCh38, 1-based): chr8:60,741,928, C>T. VCF-style: chr8-60741928-C-T. GRCh37 (hg19) VCF-style: chr8-61654487-C-T.
Other names: c.496C>T (LRG_176t1); c.496C>T, p.Gln166Ter (NM_001316690.1); short protein forms Q166*.
Identifiers: ClinVar variation 267414 (VCV000267414.5), dbSNP rs886040978, ClinGen allele CA10602482.